The following is an entry in ClinVar:

NM_138413.4(HOGA1):c.110G>T (p.Gly37Val)

Gene: HOGA1 (4-hydroxy-2-oxoglutarate aldolase 1; plus strand). Cytogenetic location: 10q24.2.
Variant type: single nucleotide variant.
Coding change: c.110G>T on transcript NM_138413.4 (MANE Select); coding-DNA position 110, G replaced by T.
Protein change: p.Gly37Val; replaces glycine 37 with valine.
Molecular consequence: missense variant.
Genome position (GRCh38, 1-based): chr10:97,584,813, G>T. VCF-style: chr10-97584813-G-T. GRCh37 (hg19) VCF-style: chr10-99344570-G-T.
Other names: c.110G>T, p.Gly37Val (NM_001134670.2); short protein forms G37V.
Identifiers: ClinVar variation 554893 (VCV000554893.3), dbSNP rs772722925, ClinGen allele CA5633837.

ClinVar aggregate classification (germline): Likely pathogenic. Review status: criteria provided, single submitter (1 of 4 stars). 2 submissions from 2 submitters: Likely pathogenic (1). 1 of the submissions does not count toward it. Last evaluated 2023-10-27.

Conditions:
Primary hyperoxaluria type 3. Also called: PH III. Identifiers: Orphanet 416, Orphanet 93600, MedGen C3150878, MONDO:0013327, OMIM 613616. Disease mechanism: loss of function.

Allele frequency attached by ClinVar (database versions not stated): TOPMed 0.00001; ExAC 0.00002.
gnomAD v4.1: 21 of 1,614,058 alleles (0.0013%); highest among the groups gnomAD compares: Non-Finnish European, 0.0018%; no homozygotes.

Submissions (2):

Clinical Biochemistry Laboratory, Health Services Laboratory
Classification: Likely pathogenic for Primary hyperoxaluria type 3. Last evaluated: 2023-10-27. Review status: criteria provided, single submitter. Criteria: ACMG Guidelines, 2015. Collection method: clinical testing. Allele origin: germline. Affected: yes.
Comment: ACMG:PM1 PM2 PM5 PP3

Counsyl
Classification: Uncertain significance for Primary hyperoxaluria type 3. Last evaluated: 2017-11-08. Review status: no assertion criteria provided. Collection method: clinical testing. Allele origin: unknown. Not counted in ClinVar's aggregate classification.

Literature cited by the submitters: PubMed 25629080 (cited by Clinical Biochemistry Laboratory, Health Services Laboratory and Counsyl).